The following is an entry in ClinVar:

ClinVar aggregate classification (germline): Benign/Likely benign. Review status: criteria provided, multiple submitters, no conflicts (2 of 4 stars). 4 submissions from 4 submitters: Benign (3); Likely benign (1). Last evaluated 2026-02-03.

Conditions:
Neuropathy, hereditary motor and sensory, type 6B (HMSN6B). Also called: HMSN VIB; CHARCOT-MARIE-TOOTH DISEASE, TYPE 6B; Neuropathy, hereditary motor and sensory, type VIB; NEUROPATHY, HEREDITARY MOTOR AND SENSORY, TYPE VIB, WITH OPTIC ATROPHY. Identifiers: MedGen C4225302, MONDO:0014671, OMIM 616505.

Allele frequency attached by ClinVar (database versions not stated): ESP Exome Variant Server 0.01574; 1000 Genomes Project 30x 0.01624; 1000 Genomes Project 0.01637; TOPMed 0.02165; gnomAD 0.02520; ExAC 0.03748.
gnomAD v4.1: 29,256 of 1,580,486 alleles (1.9%); highest among the groups gnomAD compares: African/African-American, 2.7%; 330 homozygotes.

Submissions (4):

Labcorp Genetics (formerly Invitae), Labcorp
Classification: Benign for Neuropathy, hereditary motor and sensory, type 6B. Last evaluated: 2026-02-03. Review status: criteria provided, single submitter. Criteria: Invitae Variant Classification Sherloc (09022015). Collection method: clinical testing. Allele origin: germline.

Blueprint Genetics
Classification: Likely benign. Last evaluated: 2024-11-26. Review status: criteria provided, single submitter. Criteria: ACMG Guidelines, 2015. Collection method: clinical testing. Allele origin: germline.

Mayo Clinic Laboratories, Mayo Clinic
Classification: Benign. Last evaluated: 2022-12-27. Review status: criteria provided, single submitter. Criteria: ACMG Guidelines, 2015. Collection method: clinical testing. Allele origin: germline. Observed: 98 variant alleles.
Comment: BA1, BP4, BP7

GeneDx
Classification: Benign. Last evaluated: 2018-06-25. Review status: criteria provided, single submitter. Criteria: GeneDx Variant Classification Process June 2021. Collection method: clinical testing. Allele origin: germline. Affected: yes.

NM_138773.4(SLC25A46):c.147C>T (p.Ile49=)

Gene: SLC25A46 (solute carrier family 25 member 46; plus strand). Cytogenetic location: 5q22.1.
Variant type: single nucleotide variant.
Coding change: c.147C>T on transcript NM_138773.4 (MANE Select); coding-DNA position 147, C replaced by T.
Protein change: p.Ile49=; no amino-acid change (isoleucine 49 retained).
Molecular consequence: synonymous variant. On other transcripts: non-coding transcript variant (1), intron variant (1).
Genome position (GRCh38, 1-based): chr5:110,739,266, C>T. VCF-style: chr5-110739266-C-T. GRCh37 (hg19) VCF-style: chr5-110074967-C-T.
Other names: p.Ile49=; c.147C>T, p.Ile49= (NM_001303249.3); c.10+1019C>T (NM_001303250.3).
Identifiers: ClinVar variation 475791 (VCV000475791.19), dbSNP rs145421520, ClinGen allele CA3364479.